The following is an entry in ClinVar:

ClinVar aggregate classification (germline): Uncertain significance (1 of 4 stars; one submission).

Submission:

Labcorp Genetics (formerly Invitae), Labcorp
Classification: Uncertain significance. Last evaluated: 2025-11-18. Review status: criteria provided, single submitter. Criteria: Invitae Variant Classification Sherloc (09022015). Collection method: clinical testing. Allele origin: germline.
Comment: This sequence change replaces valine, which is neutral and non-polar, with leucine, which is neutral and non-polar, at codon 767 of the FLNB protein (p.Val767Leu). This variant is not present in population databases (gnomAD no frequency). This variant has not been reported in the literature in individuals affected with FLNB-related conditions. Invitae Evidence Modeling of protein sequence and biophysical properties (such as structural, functional, and spatial information, amino acid conservation, physicochemical variation, residue mobility, and thermodynamic stability) indicates that this missense variant is not expected to disrupt FLNB protein function with a negative predictive value of 95%. In summary, the available evidence is currently insufficient to determine the role of this variant in disease. Therefore, it has been classified as a Variant of Uncertain Significance.

NM_001457.4(FLNB):c.2299G>C (p.Val767Leu)

Gene: FLNB (filamin B; plus strand). Cytogenetic location: 3p14.3.
Variant type: single nucleotide variant.
Coding change: c.2299G>C on transcript NM_001457.4 (MANE Select); coding-DNA position 2299, G replaced by C.
Protein change: p.Val767Leu; replaces valine 767 with leucine.
Molecular consequence: missense variant.
Genome position (GRCh38, 1-based): chr3:58,109,675, G>C. VCF-style: chr3-58109675-G-C. GRCh37 (hg19) VCF-style: chr3-58095402-G-C.
Other names: c.2299G>C, p.Val767Leu (NM_001164317.2, NM_001164318.2, NM_001164319.2); short protein forms V767L.
Identifiers: ClinVar variation 4702825 (VCV004702825.1).